The following is an entry in ClinVar:

ClinVar aggregate classification (germline): Uncertain significance. Review status: criteria provided, multiple submitters, no conflicts (2 of 4 stars). 3 submissions from 3 submitters: Uncertain significance (3). Last evaluated 2024-07-09.

Conditions:
Rhabdoid tumor predisposition syndrome 2 (RTPS2). Identifiers: Orphanet 231108, Orphanet 69077, MedGen C2750074, MONDO:0013224, OMIM 613325.
Hereditary cancer-predisposing syndrome. Also called: Hereditary Cancer Syndrome; Neoplastic Syndromes, Hereditary; Tumor predisposition; Hereditary neoplastic syndrome. Identifiers: Orphanet 140162, MedGen C0027672, MeSH D009386, MONDO:0015356.

Allele frequency attached by ClinVar (database versions not stated): gnomAD exomes below 0.00001; ExAC 0.00001.
gnomAD v4.1: 2 of 1,609,088 alleles (0.00012%); highest among the groups gnomAD compares: Non-Finnish European, 0.00017%; no homozygotes.

Submissions (3):

Ambry Genetics
Classification: Uncertain significance for Hereditary cancer-predisposing syndrome. Last evaluated: 2024-07-09. Review status: criteria provided, single submitter. Criteria: Ambry Variant Classification Scheme 2023. Collection method: clinical testing. Allele origin: germline.
Comment: The p.P307L variant (also known as c.920C>T), located in coding exon 5 of the SMARCA4 gene, results from a C to T substitution at nucleotide position 920. The proline at codon 307 is replaced by leucine, an amino acid with similar properties. This amino acid position is highly conserved in available vertebrate species. In addition, the in silico prediction for this alteration is inconclusive. Since supporting evidence is limited at this time, the clinical significance of this alteration remains unclear.

Labcorp Genetics (formerly Invitae), Labcorp
Classification: Uncertain significance for Rhabdoid tumor predisposition syndrome 2. Last evaluated: 2023-11-02. Review status: criteria provided, single submitter. Criteria: Invitae Variant Classification Sherloc (09022015). Collection method: clinical testing. Allele origin: germline.
Comment: This sequence change replaces proline, which is neutral and non-polar, with leucine, which is neutral and non-polar, at codon 307 of the SMARCA4 protein (p.Pro307Leu). This variant is present in population databases (rs762139955, gnomAD 0.001%). This variant has not been reported in the literature in individuals affected with SMARCA4-related conditions. ClinVar contains an entry for this variant (Variation ID: 480689). Advanced modeling of protein sequence and biophysical properties (such as structural, functional, and spatial information, amino acid conservation, physicochemical variation, residue mobility, and thermodynamic stability) has been performed at Invitae for this missense variant, however the output from this modeling did not meet the statistical confidence thresholds required to predict the impact of this variant on SMARCA4 protein function. In summary, the available evidence is currently insufficient to determine the role of this variant in disease. Therefore, it has been classified as a Variant of Uncertain Significance.

Baylor Genetics
Classification: Uncertain significance for Rhabdoid tumor predisposition syndrome 2. Last evaluated: 2023-06-04. Review status: criteria provided, single submitter. Criteria: ACMG Guidelines, 2015. Collection method: clinical testing. Allele origin: unknown.

NM_003072.5(SMARCA4):c.920C>T (p.Pro307Leu)

Gene: SMARCA4 (SWI/SNF related BAF chromatin remodeling complex subunit ATPase 4; plus strand). Cytogenetic location: 19p13.2.
Variant type: single nucleotide variant.
Coding change: c.920C>T on transcript NM_003072.5 (MANE Select); coding-DNA position 920, C replaced by T.
Protein change: p.Pro307Leu; replaces proline 307 with leucine.
Molecular consequence: missense variant. On other transcripts: non-coding transcript variant (1).
Genome position (GRCh38, 1-based): chr19:10,987,726, C>T. VCF-style: chr19-10987726-C-T. GRCh37 (hg19) VCF-style: chr19-11098402-C-T.
Other names: c.920C>T, p.Pro307Leu (NM_001128844.3, NM_001128845.2, NM_001128846.2 and 5 more transcripts); short protein forms P307L.
Identifiers: ClinVar variation 480689 (VCV000480689.14), dbSNP rs762139955, ClinGen allele CA9203628.